The following is an entry in ClinVar:

NM_006031.6(PCNT):c.4535C>T (p.Pro1512Leu)

Gene: PCNT (pericentrin; plus strand). Cytogenetic location: 21q22.3.
Variant type: single nucleotide variant.
Coding change: c.4535C>T on transcript NM_006031.6 (MANE Select); coding-DNA position 4535, C replaced by T.
Protein change: p.Pro1512Leu; replaces proline 1512 with leucine.
Molecular consequence: missense variant.
Genome position (GRCh38, 1-based): chr21:46,398,102, C>T. VCF-style: chr21-46398102-C-T. GRCh37 (hg19) VCF-style: chr21-47818016-C-T.
Other names: c.4181C>T, p.Pro1394Leu (NM_001315529.2); c.4535C>T (NM_006031.5); short protein forms P1394L, P1512L.
Identifiers: ClinVar variation 1468815 (VCV001468815.10), dbSNP rs916821322, ClinGen allele CA322036028.

ClinVar aggregate classification (germline): Uncertain significance. Review status: criteria provided, multiple submitters, no conflicts (2 of 4 stars). 3 submissions from 3 submitters: Uncertain significance (2). 1 of the submissions does not count toward it. Last evaluated 2024-11-21.

Conditions:
PCNT-related disorder. Also called: PCNT-related condition.
Inborn genetic diseases. Identifiers: MedGen C0950123, MeSH D030342.

Allele frequency attached by ClinVar (database versions not stated): gnomAD 0.00001; gnomAD exomes 0.00001; TOPMed 0.00005.
gnomAD v4.1: 13 of 1,603,166 alleles (0.00081%); highest among the groups gnomAD compares: East Asian, 0.0045%; no homozygotes.

Submissions (3):

Ambry Genetics
Classification: Uncertain significance for Inborn genetic diseases. Last evaluated: 2024-11-21. Review status: criteria provided, single submitter. Criteria: Ambry Variant Classification Scheme 2023. Collection method: clinical testing. Allele origin: germline.

Labcorp Genetics (formerly Invitae), Labcorp
Classification: Uncertain significance. Last evaluated: 2024-05-29. Review status: criteria provided, single submitter. Criteria: Invitae Variant Classification Sherloc (09022015). Collection method: clinical testing. Allele origin: germline.
Comment: This sequence change replaces proline, which is neutral and non-polar, with leucine, which is neutral and non-polar, at codon 1512 of the PCNT protein (p.Pro1512Leu). The frequency data for this variant in the population databases is considered unreliable, as metrics indicate poor data quality at this position in the gnomAD database. This variant has not been reported in the literature in individuals affected with PCNT-related conditions. ClinVar contains an entry for this variant (Variation ID: 1468815). Algorithms developed to predict the effect of missense changes on protein structure and function output the following: SIFT: "Not Available"; PolyPhen-2: "Benign"; Align-GVGD: "Not Available". The leucine amino acid residue is found in multiple mammalian species, which suggests that this missense change does not adversely affect protein function. In summary, the available evidence is currently insufficient to determine the role of this variant in disease. Therefore, it has been classified as a Variant of Uncertain Significance.

PreventionGenetics, part of Exact Sciences
Classification: Uncertain significance for PCNT-related condition. Last evaluated: 2024-04-03. Review status: no assertion criteria provided. Collection method: clinical testing. Allele origin: germline. Not counted in ClinVar's aggregate classification.
Comment: The PCNT c.4535C>T variant is predicted to result in the amino acid substitution p.Pro1512Leu. To our knowledge, this variant has not been reported in the literature. This variant is reported in 0.0019% of alleles in individuals of European (non-Finnish) descent in gnomAD. At this time, the clinical significance of this variant is uncertain due to the absence of conclusive functional and genetic evidence.